The following is an entry in ClinVar:

ClinVar aggregate classification (germline): Uncertain significance (1 of 4 stars; one submission).

Conditions:
Inborn genetic diseases. Identifiers: MedGen C0950123, MeSH D030342.

Submission:

Ambry Genetics
Classification: Uncertain significance for Inborn genetic diseases. Last evaluated: 2024-06-19. Review status: criteria provided, single submitter. Criteria: Ambry Variant Classification Scheme 2023. Collection method: clinical testing. Allele origin: germline.
Comment: The p.M162T variant (also known as c.485T>C), located in coding exon 5 of the EPAS1 gene, results from a T to C substitution at nucleotide position 485. The methionine at codon 162 is replaced by threonine, an amino acid with similar properties. This amino acid position is conserved. In addition, this alteration is predicted to be tolerated by in silico analysis. Since supporting evidence is limited at this time, the clinical significance of this alteration remains unclear.

NM_001430.5(EPAS1):c.485T>C (p.Met162Thr)

Genes: EPAS1 (endothelial PAS domain protein 1; plus strand), LOC126806210 (BRD4-independent group 4 enhancer GRCh37_chr2:46587586-46588785; plus strand). Cytogenetic location: 2p21.
Variant type: single nucleotide variant.
Coding change: c.485T>C on transcript NM_001430.5 (MANE Select); coding-DNA position 485, T replaced by C.
Protein change: p.Met162Thr; replaces methionine 162 with threonine.
Molecular consequence: missense variant.
Genome position (GRCh38, 1-based): chr2:46,360,668, T>C. VCF-style: chr2-46360668-T-C. GRCh37 (hg19) VCF-style: chr2-46587807-T-C.
Other names: short protein forms M162T.
Identifiers: ClinVar variation 1743636 (VCV001743636.3), dbSNP rs747284735, ClinGen allele CA346699044.
Genomic context (GRCh38, chr2:46,360,668, plus strand): 5'-AGCTGGTTCTTCCCATCCTTCCACATCCAGGCTCTGGTTTTGGGAAAAAAAGCAAAGACA[T>C]GTCCACAGAGCGGGACTTCTTCATGAGGATGAAGTGCACGGTCACCAACAGAGGCCGTAC-3'
Protein context (NP_001421.2, residues 152-172): GSGFGKKSKD[Met162Thr]STERDFFMRM